The following is an entry in ClinVar:

ClinVar aggregate classification (germline): Uncertain significance (1 of 4 stars; one submission).

Submission:

Women's Health and Genetics/Laboratory Corporation of America, LabCorp
Classification: Uncertain significance. Last evaluated: 2024-12-11. Review status: criteria provided, single submitter. Criteria: LabCorp Variant Classification Summary - May 2015. Collection method: clinical testing. Allele origin: germline.
Comment: Variant summary: KANSL1 c.1798A>G (p.Lys600Glu) results in a conservative amino acid change in the encoded protein sequence. Three of five in-silico tools predict a benign effect of the variant on protein function. The variant was absent in 250938 control chromosomes. The available data on variant occurrences in the general population are insufficient to allow any conclusion about variant significance. To our knowledge, no occurrence of c.1798A>G in individuals affected with Koolen-De Vries Syndrome and no experimental evidence demonstrating its impact on protein function have been reported. No submitters have cited clinical-significance assessments for this variant to ClinVar. Based on the evidence outlined above, the variant was classified as uncertain significance.

NM_015443.4(KANSL1):c.1798A>G (p.Lys600Glu)

Gene: KANSL1 (KAT8 regulatory NSL complex subunit 1). Cytogenetic location: 17q21.31.
Variant type: single nucleotide variant.
Coding change: c.1798A>G on transcript NM_015443.4 (MANE Select); coding-DNA position 1798, A replaced by G.
Protein change: p.Lys600Glu; replaces lysine 600 with glutamic acid.
Molecular consequence: missense variant.
Genome position (GRCh38, 1-based): chr17:46,066,587, T>C on the plus strand (A>G on the coding strand, the complement: KANSL1 is on the minus strand). VCF-style: chr17-46066587-T-C. GRCh37 (hg19) VCF-style: chr17-44143953-T-C.
Other names: c.1798A>G, p.Lys600Glu (NM_001193465.2, NM_001193466.2, NM_001379198.1 and 14 more transcripts); c.1696A>G, p.Lys566Glu (NM_001405859.1, NM_001405860.1, NM_001405861.1 and 1 more transcripts); c.532A>G, p.Lys178Glu (NM_001405882.1, NM_001405883.1, NM_001405884.1 and 1 more transcripts); short protein forms K178E, K566E, K600E.
Identifiers: ClinVar variation 3768121 (VCV003768121.1).